The following is an entry in ClinVar:

ClinVar aggregate classification (germline): Uncertain significance (1 of 4 stars; one submission).

Allele frequency attached by ClinVar (database versions not stated): gnomAD exomes below 0.00001; TOPMed below 0.00001.
gnomAD v4.1: 1 of 1,614,124 alleles (0.000062%); highest among the groups gnomAD compares: African/African-American, 0.0013%; no homozygotes.

Submission:

Labcorp Genetics (formerly Invitae), Labcorp
Classification: Uncertain significance. Last evaluated: 2022-02-21. Review status: criteria provided, single submitter. Criteria: Invitae Variant Classification Sherloc (09022015). Collection method: clinical testing. Allele origin: germline.
Comment: This variant is present in population databases (no rsID available, gnomAD 0.007%). This variant has not been reported in the literature in individuals affected with DYM-related conditions. This sequence change replaces leucine, which is neutral and non-polar, with phenylalanine, which is neutral and non-polar, at codon 20 of the DYM protein (p.Leu20Phe). Algorithms developed to predict the effect of missense changes on protein structure and function are either unavailable or do not agree on the potential impact of this missense change (SIFT: "Tolerated"; PolyPhen-2: "Possibly Damaging"; Align-GVGD: "Class C0"). In summary, the available evidence is currently insufficient to determine the role of this variant in disease. Therefore, it has been classified as a Variant of Uncertain Significance.

NM_001353214.3(DYM):c.60A>C (p.Leu20Phe)

Gene: DYM (dymeclin; minus strand). Cytogenetic location: 18q21.1.
Variant type: single nucleotide variant.
Coding change: c.60A>C on transcript NM_001353214.3 (MANE Select); coding-DNA position 60, A replaced by C.
Protein change: p.Leu20Phe; replaces leucine 20 with phenylalanine.
Molecular consequence: missense variant.
Genome position (GRCh38, 1-based): chr18:49,430,335, T>G on the plus strand (A>C on the coding strand, the complement: DYM is on the minus strand). VCF-style: chr18-49430335-T-G. GRCh37 (hg19) VCF-style: chr18-46956705-T-G.
Other names: c.60A>C, p.Leu20Phe (NM_001353210.3, NM_001353211.3, NM_001353212.3 and 21 more transcripts); short protein forms L20F.
Identifiers: ClinVar variation 2101114 (VCV002101114.4), dbSNP rs1377296919, ClinGen allele CA402412593.